The following is an entry in ClinVar:

ClinVar aggregate classification (germline): Uncertain significance (1 of 4 stars; one submission).

Conditions:
Primary ciliary dyskinesia 30. Also called: CILIARY DYSKINESIA, PRIMARY, 30, WITH OR WITHOUT SITUS INVERSUS. Identifiers: Orphanet 244, MedGen C4015016, MONDO:0014465, OMIM 616037.

Allele frequency attached by ClinVar (database versions not stated): gnomAD exomes below 0.00001; gnomAD 0.00001; TOPMed 0.00003; ESP Exome Variant Server 0.00008.
gnomAD v4.1: 4 of 1,607,932 alleles (0.00025%); highest among the groups gnomAD compares: African/African-American, 0.004%; no homozygotes.

Submission:

Labcorp Genetics (formerly Invitae), Labcorp
Classification: Uncertain significance for Primary ciliary dyskinesia 30. Last evaluated: 2025-04-14. Review status: criteria provided, single submitter. Criteria: Invitae Variant Classification Sherloc (09022015). Collection method: clinical testing. Allele origin: germline.
Comment: This sequence change replaces valine, which is neutral and non-polar, with alanine, which is neutral and non-polar, at codon 172 of the CCDC151 protein (p.Val172Ala). This variant is not present in population databases (gnomAD no frequency). This variant has not been reported in the literature in individuals affected with CCDC151-related conditions. ClinVar contains an entry for this variant (Variation ID: 2142907). An algorithm developed to predict the effect of missense changes on protein structure and function outputs the following: PolyPhen-2: "Benign". The alanine amino acid residue is found in multiple mammalian species, which suggests that this missense change does not adversely affect protein function. In summary, the available evidence is currently insufficient to determine the role of this variant in disease. Therefore, it has been classified as a Variant of Uncertain Significance.

NM_145045.5(ODAD3):c.515T>C (p.Val172Ala)

Gene: ODAD3 (outer dynein arm docking complex subunit 3; minus strand). Cytogenetic location: 19p13.2.
Variant type: single nucleotide variant.
Coding change: c.515T>C on transcript NM_145045.5 (MANE Select); coding-DNA position 515, T replaced by C.
Protein change: p.Val172Ala; replaces valine 172 with alanine.
Molecular consequence: missense variant.
Genome position (GRCh38, 1-based): chr19:11,426,970, A>G on the plus strand (T>C on the coding strand, the complement: ODAD3 is on the minus strand). VCF-style: chr19-11426970-A-G. GRCh37 (hg19) VCF-style: chr19-11537790-A-G.
Other names: c.353T>C, p.Val118Ala (NM_001302453.1); c.437T>C, p.Val146Ala (NM_001302454.2); short protein forms V146A, V172A, V118A.
Identifiers: ClinVar variation 2142907 (VCV002142907.4), dbSNP rs373641970, ClinGen allele CA305335650.